The following is an entry in ClinVar:

NM_015426.5(POC1A):c.480C>G (p.Ile160Met)

Gene: POC1A (POC1 centriolar protein A; minus strand). Cytogenetic location: 3p21.2.
Variant type: single nucleotide variant.
Coding change: c.480C>G on transcript NM_015426.5 (MANE Select); coding-DNA position 480, C replaced by G.
Protein change: p.Ile160Met; replaces isoleucine 160 with methionine.
Molecular consequence: missense variant.
Genome position (GRCh38, 1-based): chr3:52,147,071, G>C on the plus strand (C>G on the coding strand, the complement: POC1A is on the minus strand). VCF-style: chr3-52147071-G-C. GRCh37 (hg19) VCF-style: chr3-52181087-G-C.
Other names: c.480C>G (NM_015426.4); c.480C>G, p.Ile160Met (NM_001161580.2); c.366C>G, p.Ile122Met (NM_001161581.2); short protein forms I122M, I160M.
Identifiers: ClinVar variation 1965199 (VCV001965199.6), dbSNP rs753301992, ClinGen allele CA74715654.

ClinVar aggregate classification (germline): Uncertain significance. Review status: criteria provided, multiple submitters, no conflicts (2 of 4 stars). 2 submissions from 2 submitters: Uncertain significance (2). Last evaluated 2024-12-16.

Conditions:
Inborn genetic diseases. Identifiers: MedGen C0950123, MeSH D030342.

gnomAD v4.1: 18 of 1,613,956 alleles (0.0011%); highest among the groups gnomAD compares: Non-Finnish European, 0.0014%; no homozygotes.

Submissions (2):

Labcorp Genetics (formerly Invitae), Labcorp
Classification: Uncertain significance. Last evaluated: 2024-12-16. Review status: criteria provided, single submitter. Criteria: Invitae Variant Classification Sherloc (09022015). Collection method: clinical testing. Allele origin: germline.
Comment: This sequence change replaces isoleucine, which is neutral and non-polar, with methionine, which is neutral and non-polar, at codon 160 of the POC1A protein (p.Ile160Met). This variant is present in population databases (no rsID available, gnomAD 0.0009%). This variant has not been reported in the literature in individuals affected with POC1A-related conditions. ClinVar contains an entry for this variant (Variation ID: 1965199). Invitae Evidence Modeling of protein sequence and biophysical properties (such as structural, functional, and spatial information, amino acid conservation, physicochemical variation, residue mobility, and thermodynamic stability) indicates that this missense variant is not expected to disrupt POC1A protein function with a negative predictive value of 80%. In summary, the available evidence is currently insufficient to determine the role of this variant in disease. Therefore, it has been classified as a Variant of Uncertain Significance.

Ambry Genetics
Classification: Uncertain significance for Inborn genetic diseases. Last evaluated: 2024-11-20. Review status: criteria provided, single submitter. Criteria: Ambry Variant Classification Scheme 2023. Collection method: clinical testing. Allele origin: germline.